The following is an entry in ClinVar:

NM_005660.3(SLC35A2):c.11_16del (p.Val4_Gly5del)

Gene: SLC35A2 (solute carrier family 35 member A2; minus strand). Cytogenetic location: Xp11.23.
Variant type: Deletion.
Coding change: c.11_16del on transcript NM_005660.3 (MANE Select); coding-DNA positions 11 to 16, 6 bases deleted (TTGGGG; older notation c.11_16delTTGGGG).
Protein change: p.Val4_Gly5del.
Molecular consequence: inframe deletion. On other transcripts: intron variant (1).
Genome position (GRCh38, 1-based): chrX:48,911,621-48,911,626, CCCCAA deleted on the plus strand (TTGGGG on the coding strand, the reverse complement: SLC35A2 is on the minus strand); deleting any 6 consecutive bases within chrX:48,911,621-48,911,628 gives the same sequence; the c. name uses the placement nearest the transcript's 3' end. VCF-style (leftmost placement, unchanged base first): chrX-48911620-GCCCCAA-G. GRCh37 (hg19) VCF-style: chrX-48768897-GCCCCAA-G.
Other names: c.11_16del, p.Val4_Gly5del (NM_001032289.3, NM_001042498.3, NM_001282647.2 and 3 more transcripts); c.19+233_19+238del (NM_001282648.2).
Identifiers: ClinVar variation 2901830 (VCV002901830.3), dbSNP rs2519667877, ClinGen allele CA2739273476.

ClinVar aggregate classification (germline): Uncertain significance (1 of 4 stars; one submission).

Conditions:
SLC35A2-congenital disorder of glycosylation. Also called: DEVELOPMENTAL AND EPILEPTIC ENCEPHALOPATHY 22; CONGENITAL DISORDER OF GLYCOSYLATION, TYPE IIm, SOMATIC MOSAIC; CONGENITAL DISORDER OF GLYCOSYLATION, TYPE IIm; CDG IIm; SLC35A2-CDG; EPILEPTIC ENCEPHALOPATHY, EARLY INFANTILE, 22. Identifiers: Orphanet 356961, MedGen C3806688, MONDO:0010478, OMIM 300896.

Submission:

Labcorp Genetics (formerly Invitae), Labcorp
Classification: Uncertain significance for SLC35A2-congenital disorder of glycosylation. Last evaluated: 2024-02-08. Review status: criteria provided, single submitter. Criteria: Invitae Variant Classification Sherloc (09022015). Collection method: clinical testing. Allele origin: germline.
Comment: This variant, c.11_16del, results in the deletion of 2 amino acid(s) of the SLC35A2 protein (p.Val4_Gly5del), but otherwise preserves the integrity of the reading frame. This variant is not present in population databases (gnomAD no frequency). This variant has not been reported in the literature in individuals affected with SLC35A2-related conditions. Experimental studies and prediction algorithms are not available or were not evaluated, and the functional significance of this variant is currently unknown. In summary, the available evidence is currently insufficient to determine the role of this variant in disease. Therefore, it has been classified as a Variant of Uncertain Significance.